The following is an entry in ClinVar:

ClinVar aggregate classification (germline): Uncertain significance (1 of 4 stars; one submission).

Submission:

GeneDx
Classification: Uncertain significance. Last evaluated: 2025-03-25. Review status: criteria provided, single submitter. Criteria: GeneDx Variant Classification Process June 2021. Collection method: clinical testing. Allele origin: germline. Affected: yes.
Comment: Not observed at significant frequency in large population cohorts (gnomAD); In silico analysis supports that this missense variant has a deleterious effect on protein structure/function; Has not been previously published as pathogenic or benign to our knowledge

NM_001297595.2(SIN3B):c.2734G>A (p.Glu912Lys)

Gene: SIN3B (SIN3 transcription regulator family member B; plus strand). Cytogenetic location: 19p13.11.
Variant type: single nucleotide variant.
Coding change: c.2734G>A on transcript NM_001297595.2 (MANE Select); coding-DNA position 2734, G replaced by A.
Protein change: p.Glu912Lys; replaces glutamic acid 912 with lysine.
Molecular consequence: missense variant.
Genome position (GRCh38, 1-based): chr19:16,876,196, G>A. VCF-style: chr19-16876196-G-A. GRCh37 (hg19) VCF-style: chr19-16987007-G-A.
Other names: c.1504G>A, p.Glu502Lys (NM_001297597.2); c.2830G>A, p.Glu944Lys (NM_015260.4); short protein forms E912K, E944K, E502K.
Identifiers: ClinVar variation 4087950 (VCV004087950.1).